The following is an entry in ClinVar:

NM_000051.4(ATM):c.6523del (p.Arg2175fs)

Genes: ATM (ATM serine/threonine kinase; plus strand), C11orf65 (chromosome 11 open reading frame 65; minus strand). Cytogenetic location: 11q22.3.
Variant type: Deletion.
Coding change: c.6523del on transcript NM_000051.4 (MANE Select); coding-DNA position 6523, one base deleted (A; older notation c.6523delA).
Protein change: p.Arg2175fs; shifts the reading frame from arginine 2175.
Molecular consequence: frameshift variant. On other transcripts: intron variant (2).
Genome position (GRCh38, 1-based): chr11:108,321,371, A deleted. VCF-style (leftmost placement, unchanged base first): chr11-108321370-CA-C. GRCh37 (hg19) VCF-style: chr11-108192097-CA-C.
Other names: c.6523del, p.Arg2175fs (NM_001351834.2); c.641-12300del (NM_001330368.2); c.*39-12300del (NM_001351110.2); short protein forms R2175fs.
Identifiers: ClinVar variation 1999751 (VCV001999751.4), dbSNP rs2547163452, ClinGen allele CA2580083469.
Genomic context (GRCh38, chr11:108,321,370, plus strand): 5'-AGTGGAAGAGATGTGTAAGCGCAGCCTTGAGTCTGTGTATTCGCTCTATCCCACACTTAG[CA>C]GGTTGCAGGCCATTGGAGAGCTGGAAAGCATTGGGGAGCTTTTCTCAAGGTATGTAATTC-3'

ClinVar aggregate classification (germline): Pathogenic (1 of 4 stars; one submission).

Conditions:
Ataxia-telangiectasia syndrome (AT). Also called: Ataxia-telangiectasia, complementation group D; AT, COMPLEMENTATION GROUP C; ATAXIA-TELANGIECTASIA, COMPLEMENTATION GROUP A; ATAXIA-TELANGIECTASIA, FRESNO VARIANT; Ataxia-telangiectasia, complementation group E; LOUIS-BAR SYNDROME. Identifiers: Orphanet 100, MedGen C0004135, MONDO:0008840, OMIM 208900.

Submission:

Labcorp Genetics (formerly Invitae), Labcorp
Classification: Pathogenic for Ataxia-telangiectasia syndrome. Last evaluated: 2022-05-27. Review status: criteria provided, single submitter. Criteria: Invitae Variant Classification Sherloc (09022015). Collection method: clinical testing. Allele origin: germline.
Comment: This variant has not been reported in the literature in individuals affected with ATM-related conditions. This variant is not present in population databases (gnomAD no frequency). This sequence change creates a premature translational stop signal (p.Arg2175Glyfs*60) in the ATM gene. It is expected to result in an absent or disrupted protein product. Loss-of-function variants in ATM are known to be pathogenic (PMID: 23807571, 25614872). For these reasons, this variant has been classified as Pathogenic.

Literature cited by the submitters: PubMed 23807571; PubMed 25614872.